The following is an entry in ClinVar:

ClinVar aggregate classification (germline): Benign/Likely benign. Review status: criteria provided, multiple submitters, no conflicts (2 of 4 stars). 2 submissions from 2 submitters: Benign (1); Likely benign (1). Last evaluated 2026-06-17.

Conditions:
Hereditary cancer-predisposing syndrome. Also called: Neoplastic Syndromes, Hereditary; Tumor predisposition; Hereditary Cancer Syndrome; Hereditary neoplastic syndrome. Identifiers: Orphanet 140162, MedGen C0027672, MeSH D009386, MONDO:0015356.
Polyps, multiple and recurrent inflammatory fibroid, gastrointestinal. Identifiers: MedGen C5193005, MONDO:0008285, OMIM 175510.

Submissions (2):

Myriad Genetics, Inc.
Classification: Benign for Polyps, multiple and recurrent inflammatory fibroid, gastrointestinal. Last evaluated: 2026-06-17. Review status: criteria provided, single submitter. Criteria: Myriad Autosomal Dominant, Autosomal Recessive and X-Linked Classification Criteria (2023). Collection method: clinical testing. Allele origin: unknown.
Comment: This variant is considered benign. This variant is a silent/synonymous amino acid change and it is not expected to impact splicing.

Ambry Genetics
Classification: Likely benign for Hereditary cancer-predisposing syndrome. Last evaluated: 2024-04-14. Review status: criteria provided, single submitter. Criteria: Ambry Variant Classification Scheme 2023. Collection method: clinical testing. Allele origin: germline.

NM_006206.6(PDGFRA):c.1983G>A (p.Leu661=)

Gene: PDGFRA (platelet derived growth factor receptor alpha; plus strand). Cytogenetic location: 4q12.
Variant type: single nucleotide variant.
Coding change: c.1983G>A on transcript NM_006206.6 (MANE Select); coding-DNA position 1983, G replaced by A.
Protein change: p.Leu661=; no amino-acid change (leucine 661 retained).
Molecular consequence: synonymous variant.
Genome position (GRCh38, 1-based): chr4:54,277,987, G>A. VCF-style: chr4-54277987-G-A. GRCh37 (hg19) VCF-style: chr4-55144154-G-A.
Other names: c.1983G>A, p.Leu661= (NM_001347827.2, NM_001347829.2); c.2058G>A, p.Leu686= (NM_001347828.2); c.2022G>A, p.Leu674= (NM_001347830.2).
Identifiers: ClinVar variation 3305474 (VCV003305474.2).